The following is an entry in ClinVar:

ClinVar aggregate classification (germline): Conflicting classifications of pathogenicity. Review status: criteria provided, conflicting classifications (1 of 4 stars). 2 submissions from 2 submitters: Likely pathogenic (1); Uncertain significance (1). Last evaluated 2026-01-22.

Conditions:
Metachromatic leukodystrophy (MLD). Also called: ARSA DEFICIENCY; CEREBROSIDE SULFATASE DEFICIENCY; Arylsulfatase A Deficiency; METACHROMATIC LEUKOENCEPHALOPATHY; SULFATIDE LIPIDOSIS; Cerebral sclerosis diffuse metachromatic form. Identifiers: Orphanet 512, MedGen C0023522, MONDO:0018868, OMIM 250100.

Allele frequency attached by ClinVar (database versions not stated): gnomAD exomes below 0.00001.
gnomAD v4.1: 1 of 1,614,114 alleles (0.000062%); highest among the groups gnomAD compares: Non-Finnish European, 0.000085%; no homozygotes.

Submissions (2):

Myriad Genetics, Inc.
Classification: Uncertain significance for Metachromatic leukodystrophy. Last evaluated: 2026-01-22. Review status: criteria provided, single submitter. Criteria: Myriad Autosomal Dominant, Autosomal Recessive and X-Linked Classification Criteria (2023). Collection method: clinical testing. Allele origin: unknown.
Comment: NM_000487.5(ARSA):c.770A>T(D257V) is a missense variant classified as a variant of uncertain significance in the context of metachromatic leukodystrophy. D257V has not been observed in cases with relevant disease. Relevant functional assessments of this variant are not available in the literature. D257V has not been observed in referenced population frequency databases. In summary, there is insufficient evidence to classify NM_000487.5(ARSA):c.770A>T(D257V) as pathogenic or benign. Please note: this variant was assessed in the context of healthy population screening.

Labcorp Genetics (formerly Invitae), Labcorp
Classification: Likely pathogenic for Metachromatic leukodystrophy. Last evaluated: 2022-04-08. Review status: criteria provided, single submitter. Criteria: Invitae Variant Classification Sherloc (09022015). Collection method: clinical testing. Allele origin: germline.
Comment: In summary, the currently available evidence indicates that the variant is pathogenic, but additional data are needed to prove that conclusively. Therefore, this variant has been classified as Likely Pathogenic. This variant disrupts the p.Asp257 amino acid residue in ARSA. Other variant(s) that disrupt this residue have been determined to be pathogenic (PMID: 8982952, 10477432, 12445909, 15720392). This suggests that this residue is clinically significant, and that variants that disrupt this residue are likely to be disease-causing. Advanced modeling of protein sequence and biophysical properties (such as structural, functional, and spatial information, amino acid conservation, physicochemical variation, residue mobility, and thermodynamic stability) performed at Invitae indicates that this missense variant is expected to disrupt ARSA protein function. This variant has not been reported in the literature in individuals affected with ARSA-related conditions. This variant is not present in population databases (gnomAD no frequency). This sequence change replaces aspartic acid, which is acidic and polar, with valine, which is neutral and non-polar, at codon 257 of the ARSA protein (p.Asp257Val).

Literature cited by the submitters: PubMed 8982952 (cited by Labcorp Genetics (formerly Invitae), Labcorp); PubMed 10477432 (cited by Labcorp Genetics (formerly Invitae), Labcorp); PubMed 12445909 (cited by Labcorp Genetics (formerly Invitae), Labcorp); PubMed 15720392 (cited by Labcorp Genetics (formerly Invitae), Labcorp).

NM_000487.6(ARSA):c.770A>T (p.Asp257Val)

Gene: ARSA (arylsulfatase A; minus strand). Cytogenetic location: 22q13.33.
Variant type: single nucleotide variant.
Coding change: c.770A>T on transcript NM_000487.6 (MANE Select); coding-DNA position 770, A replaced by T.
Protein change: p.Asp257Val; replaces aspartic acid 257 with valine.
Molecular consequence: missense variant.
Genome position (GRCh38, 1-based): chr22:50,626,675, T>A on the plus strand (A>T on the coding strand, the complement: ARSA is on the minus strand). VCF-style: chr22-50626675-T-A. GRCh37 (hg19) VCF-style: chr22-51065103-T-A.
Other names: c.770A>T, p.Asp257Val (NM_001085425.3, NM_001085426.3, NM_001085427.3); c.512A>T, p.Asp171Val (NM_001085428.3, NM_001362782.2); short protein forms D257V, D171V.
Identifiers: ClinVar variation 2122916 (VCV002122916.5), dbSNP rs2518329600, ClinGen allele CA412176245.
Genomic context (GRCh38, chr22:50,626,675, plus strand): 5'-AGCGTCTCTTCAAGCAGCCCCAGGTCCCCTATGGCTGTCATCAGGGTCCCCACAGCTGCA[T>A]CCAGCTCCATCAGGGAGTCCCCAAATGGCCCGCGGCCTGAACGCTCTGCAAAGCTCTGCC-3'
Protein context (NP_000478.3, residues 247-267): GPFGDSLMEL[Asp257Val]AAVGTLMTAI